The following is an entry in ClinVar:

NM_001127208.3(TET2):c.2926C>A (p.Gln976Lys)

Genes: TET2 (tet methylcytosine dioxygenase 2; plus strand), TET2-AS1 (TET2 antisense RNA 1; minus strand). Cytogenetic location: 4q24.
Variant type: single nucleotide variant.
Coding change: c.2926C>A on transcript NM_001127208.3 (MANE Select); coding-DNA position 2926, C replaced by A.
Protein change: p.Gln976Lys; replaces glutamine 976 with lysine.
Molecular consequence: missense variant.
Genome position (GRCh38, 1-based): chr4:105,236,868, C>A. VCF-style: chr4-105236868-C-A. GRCh37 (hg19) VCF-style: chr4-106158025-C-A.
Other names: c.2926C>A, p.Gln976Lys (NM_017628.4); short protein forms Q976K.
Identifiers: ClinVar variation 3967588 (VCV003967588.1).

ClinVar aggregate classification (germline): Uncertain significance (1 of 4 stars; one submission).

Submission:

Ambry Genetics
Classification: Uncertain significance. Last evaluated: 2025-04-25. Review status: criteria provided, single submitter. Criteria: Ambry Variant Classification Scheme 2023. Collection method: clinical testing. Allele origin: germline.
Comment: The p.Q976K variant (also known as c.2926C>A), located in coding exon 1 of the TET2 gene, results from a C to A substitution at nucleotide position 2926. The glutamine at codon 976 is replaced by lysine, an amino acid with similar properties. This amino acid position is conserved. In addition, this alteration is predicted to be tolerated by in silico analysis. Based on the available evidence, the clinical significance of this variant remains unclear.